The following is an entry in ClinVar:

NM_000256.3(MYBPC3):c.1921A>G (p.Arg641Gly)

Gene: MYBPC3 (myosin binding protein C3; minus strand). Cytogenetic location: 11p11.2.
Variant type: single nucleotide variant.
Coding change: c.1921A>G on transcript NM_000256.3 (MANE Select); coding-DNA position 1921, A replaced by G.
Protein change: p.Arg641Gly; replaces arginine 641 with glycine.
Molecular consequence: missense variant.
Genome position (GRCh38, 1-based): chr11:47,341,009, T>C on the plus strand (A>G on the coding strand, the complement: MYBPC3 is on the minus strand). VCF-style: chr11-47341009-T-C. GRCh37 (hg19) VCF-style: chr11-47362560-T-C.
Other names: short protein forms R641G.
Identifiers: ClinVar variation 3766940 (VCV003766940.1).
Genomic context (GRCh38, chr11:47,341,009, plus strand): 5'-GGGTGGGTTGCGGGAAAGTGAGCAGAACCAAGACTCAGGGGCCCCAAGACTTACCCTGCC[T>C]GGGTACGAAGTCAATCTTGACCTCTGCAAGAGAAGGAAGAGCAAGTAGCACGGGGGCAAA-3'
Protein context (NP_000247.2, residues 631-651): FMEVKIDFVP[Arg641Gly]QEPPKIHLDC

ClinVar aggregate classification (germline): Uncertain significance (1 of 4 stars; one submission).

Submission:

ARUP Laboratories, Molecular Genetics and Genomics, ARUP Laboratories
Classification: Uncertain significance. Last evaluated: 2024-01-09. Review status: criteria provided, single submitter. Criteria: ARUP Molecular Germline Variant Investigation Process 2024. Collection method: clinical testing. Allele origin: germline.
Comment: The MYBPC3 c.1921A>G; p.Arg641Gly variant, to our knowledge, is not reported in the medical literature or gene specific databases. This variant is also absent from the Genome Aggregation Database (v2.1.1), indicating it is not a common polymorphism. Computational analyses are uncertain whether this variant is neutral or deleterious (REVEL: 0.513). Due to limited information, the clinical significance of this variant is uncertain at this time.